The following is an entry in ClinVar:

ClinVar aggregate classification (germline): Benign. Review status: criteria provided, multiple submitters, no conflicts (2 of 4 stars). 5 submissions from 5 submitters: Benign (5). Last evaluated 2026-02-03.

Conditions:
Hepatic methionine adenosyltransferase deficiency. Also called: MAT I/III DEFICIENCY; Isolated Persistent Hypermethioninemia; Methionine adenosyltransferase deficiency; Deficiency of methionine adenosyltransferase. Identifiers: Orphanet 168598, MedGen C0268621, MeSH C564683, MONDO:0009607, OMIM 250850.

Allele frequency attached by ClinVar (database versions not stated): gnomAD exomes 0.46682 and 0.50605; ExAC 0.51237; ESP Exome Variant Server 0.53791; gnomAD 0.54479 and 0.54485; TOPMed 0.55626; 1000 Genomes Project 0.58686; 1000 Genomes Project 30x 0.59400.

Submissions (5):

Labcorp Genetics (formerly Invitae), Labcorp
Classification: Benign for Hepatic methionine adenosyltransferase deficiency. Last evaluated: 2026-02-03. Review status: criteria provided, single submitter. Criteria: Invitae Variant Classification Sherloc (09022015). Collection method: clinical testing. Allele origin: germline.

Illumina Laboratory Services, Illumina
Classification: Benign for Hepatic methionine adenosyltransferase deficiency. Last evaluated: 2018-01-13. Review status: criteria provided, single submitter. Criteria: ICSL Variant Classification Criteria 13 December 2019. Collection method: clinical testing. Allele origin: germline.
Comment: This variant was observed in the ICSL laboratory as part of a predisposition screen in an ostensibly healthy population. It had not been previously curated by ICSL or reported in the Human Gene Mutation Database (HGMD: prior to June 1st, 2018), and was therefore a candidate for classification through an automated scoring system. Utilizing variant allele frequency, disease prevalence and penetrance estimates, and inheritance mode, an automated score was calculated to assess if this variant is too frequent to cause the disease. Based on the score and internal cut-off values, a variant classified as benign is not then subjected to further curation. The score for this variant resulted in a classification of benign for this disease.

GeneDx
Classification: Benign. Last evaluated: 2015-03-03. Review status: criteria provided, single submitter. Criteria: GeneDx Variant Classification (06012015). Collection method: clinical testing. Allele origin: germline. Affected: yes.

Breakthrough Genomics
Classification: Benign. Review status: criteria provided, single submitter. Criteria: ACMG Guidelines, 2015. Collection method: not provided. Allele origin: germline. Inheritance: Autosomal dominant inheritance. Affected: yes.

PreventionGenetics, part of Exact Sciences
Classification: Benign. Review status: criteria provided, single submitter. Criteria: ACMG Guidelines, 2015. Collection method: clinical testing. Allele origin: germline.

NM_000429.3(MAT1A):c.1131C>T (p.Tyr377=)

Genes: MAT1A (methionine adenosyltransferase 1A; minus strand), LOC126860980 (CDK7 strongly-dependent group 2 enhancer GRCh37_chr10:82032694-82033893; plus strand). Cytogenetic location: 10q22.3.
Variant type: single nucleotide variant.
Coding change: c.1131C>T on transcript NM_000429.3 (MANE Select); coding-DNA position 1131, C replaced by T.
Protein change: p.Tyr377=; no amino-acid change (tyrosine 377 retained).
Molecular consequence: synonymous variant.
Genome position (GRCh38, 1-based): chr10:80,273,838, G>A on the plus strand (C>T on the coding strand, the complement: MAT1A is on the minus strand). VCF-style: chr10-80273838-G-A. GRCh37 (hg19) VCF-style: chr10-82033594-G-A.
Identifiers: ClinVar variation 256104 (VCV000256104.16), dbSNP rs2993763, ClinGen allele CA5576592.